The following is an entry in ClinVar:

ClinVar aggregate classification (germline): Uncertain significance (1 of 4 stars; one submission).

Conditions:
Catecholaminergic polymorphic ventricular tachycardia 1. Also called: VENTRICULAR TACHYCARDIA, CATECHOLAMINERGIC POLYMORPHIC, 1, WITH OR WITHOUT ATRIAL DYSFUNCTION AND/OR DILATED CARDIOMYOPATHY; VENTRICULAR TACHYCARDIA, STRESS-INDUCED POLYMORPHIC 1; RYR2-Related Catecholaminergic Polymorphic Ventricular Tachycardia. Identifiers: Orphanet 3286, MedGen C1631597, MONDO:0011484, OMIM 604772.

Allele frequency attached by ClinVar (database versions not stated): TOPMed 0.00001.

Submission:

Labcorp Genetics (formerly Invitae), Labcorp
Classification: Uncertain significance for Catecholaminergic polymorphic ventricular tachycardia 1. Last evaluated: 2019-01-26. Review status: criteria provided, single submitter. Criteria: Invitae Variant Classification Sherloc (09022015). Collection method: clinical testing. Allele origin: germline.
Comment: The current clinical and genetic evidence is not sufficient to establish whether loss-of-function variants in RYR2 cause disease. In summary, the available evidence is currently insufficient to determine the role of this variant in disease. Therefore, it has been classified as a Variant of Uncertain Significance. This variant has not been reported in the literature in individuals with RYR2-related conditions. This variant is not present in population databases (ExAC no frequency). This sequence change creates a premature translational stop signal (p.Thr1813Leufs*17) in the RYR2 gene. It is expected to result in an absent or disrupted protein product.

NM_001035.3(RYR2):c.5433del (p.Thr1813fs)

Gene: RYR2 (ryanodine receptor 2; plus strand). Cytogenetic location: 1q43.
Variant type: Deletion.
Coding change: c.5433del on transcript NM_001035.3 (MANE Select); coding-DNA position 5433, one base deleted (A; older notation c.5433delA).
Protein change: p.Thr1813fs; shifts the reading frame from threonine 1813.
Molecular consequence: frameshift variant.
Genome position (GRCh38, 1-based): chr1:237,614,561, A deleted. VCF-style (leftmost placement, unchanged base first): chr1-237614560-GA-G. GRCh37 (hg19) VCF-style: chr1-237777860-GA-G.
Other names: short protein forms T1813fs.
Identifiers: ClinVar variation 845298 (VCV000845298.9), dbSNP rs1678252821, ClinGen allele CA916082161.
Genomic context (GRCh38, chr1:237,614,560, plus strand): 5'-CCATACAGATGCTGACAGAAGCTGTTAAAGAGGGCAGTCTTCATGCCCGGGACCCAGTTG[GA>G]GGGACTACTGAATTCCTCTTTGTACCTCTCATCAAGCTTTTCTATACCCTGCTGATCATG-3'